The following is an entry in ClinVar:

NM_007186.6(CEP250):c.4545G>C (p.Lys1515Asn)

Gene: CEP250 (centrosomal protein 250; plus strand). Cytogenetic location: 20q11.22.
Variant type: single nucleotide variant.
Coding change: c.4545G>C on transcript NM_007186.6 (MANE Select); coding-DNA position 4545, G replaced by C.
Protein change: p.Lys1515Asn; replaces lysine 1515 with asparagine.
Molecular consequence: missense variant.
Genome position (GRCh38, 1-based): chr20:35,502,914, G>C. VCF-style: chr20-35502914-G-C. GRCh37 (hg19) VCF-style: chr20-34090742-G-C.
Other names: c.2649G>C, p.Lys883Asn (NM_001318219.1); short protein forms K883N, K1515N.
Identifiers: ClinVar variation 1954600 (VCV001954600.5), dbSNP rs746434237, ClinGen allele CA408748573.
Genomic context (GRCh38, chr20:35,502,914, plus strand): 5'-CGTCCAGGAGCGAGAGCAGAAGCTGACTGTGCAGAGGGAGCAGATCAGAGAGCTCGAGAA[G>C]GATCGGGAGACTCAGAGGAACGTCTTGGAGCATCAGCTTCTAGAACTTGAGAAGAAAGAC-3'
Protein context (NP_009117.2, residues 1505-1525): VQREQIRELE[Lys1515Asn]DRETQRNVLE

ClinVar aggregate classification (germline): Uncertain significance (1 of 4 stars; one submission).

Allele frequency attached by ClinVar (database versions not stated): gnomAD 0.00001.
gnomAD v4.1: 6 of 1,614,116 alleles (0.00037%); highest among the groups gnomAD compares: Non-Finnish European, 0.00051%; no homozygotes.

Submission:

Labcorp Genetics (formerly Invitae), Labcorp
Classification: Uncertain significance. Last evaluated: 2022-07-05. Review status: criteria provided, single submitter. Criteria: Invitae Variant Classification Sherloc (09022015). Collection method: clinical testing. Allele origin: germline.
Comment: In summary, the available evidence is currently insufficient to determine the role of this variant in disease. Therefore, it has been classified as a Variant of Uncertain Significance. Algorithms developed to predict the effect of missense changes on protein structure and function output the following: SIFT: "Not Available"; PolyPhen-2: "Benign"; Align-GVGD: "Not Available". The asparagine amino acid residue is found in multiple mammalian species, which suggests that this missense change does not adversely affect protein function. This variant has not been reported in the literature in individuals affected with CEP250-related conditions. This variant is not present in population databases (gnomAD no frequency). This sequence change replaces lysine, which is basic and polar, with asparagine, which is neutral and polar, at codon 1515 of the CEP250 protein (p.Lys1515Asn).